The following is an entry in ClinVar:

NM_019023.5(PRMT7):c.950G>T (p.Cys317Phe)

Gene: PRMT7 (protein arginine methyltransferase 7; plus strand). Cytogenetic location: 16q22.1.
Variant type: single nucleotide variant.
Coding change: c.950G>T on transcript NM_019023.5 (MANE Select); coding-DNA position 950, G replaced by T.
Protein change: p.Cys317Phe; replaces cysteine 317 with phenylalanine.
Molecular consequence: missense variant. On other transcripts: non-coding transcript variant (12).
Genome position (GRCh38, 1-based): chr16:68,345,697, G>T. VCF-style: chr16-68345697-G-T. GRCh37 (hg19) VCF-style: chr16-68379600-G-T.
Other names: c.800G>T, p.Cys267Phe (NM_001184824.4); c.950G>T, p.Cys317Phe (NM_001290018.2, NM_001351143.3, NM_001351144.3 and 1 more transcripts); c.743G>T, p.Cys248Phe (NM_001378020.1); c.713G>T, p.Cys238Phe (NM_001378021.1, NM_001378022.1, NM_001378023.1); short protein forms C238F, C248F, C267F, C317F.
Identifiers: ClinVar variation 4851632 (VCV004851632.1).

ClinVar aggregate classification (germline): Uncertain significance (1 of 4 stars; one submission).

gnomAD v4.1: 3 of 1,613,172 alleles (0.00019%); highest among the groups gnomAD compares: African/African-American, 0.004%; no homozygotes.

Submission:

Greenwood Genetic Center Diagnostic Laboratories, Greenwood Genetic Center
Classification: Uncertain significance. Last evaluated: 2025-01-29. Review status: criteria provided, single submitter. Criteria: ACMG Guidelines, 2015. Collection method: clinical testing. Allele origin: germline.
Comment: PM2, PP3